The following is an entry in ClinVar:

ClinVar aggregate classification (germline): Uncertain significance (1 of 4 stars; one submission).

Allele frequency attached by ClinVar (database versions not stated): TOPMed 0.00001.

Submission:

CeGaT Center for Human Genetics Tuebingen
Classification: Uncertain significance. Last evaluated: 2022-06-01. Review status: criteria provided, single submitter. Criteria: CeGaT Center For Human Genetics Tuebingen Variant Classification Criteria Version 2. Collection method: clinical testing. Allele origin: germline. Affected: yes. Observed: 1 variant allele.
Comment: ALPL: PM2, PM5, PP4

NM_000478.6(ALPL):c.1166C>G (p.Thr389Ser)

Gene: ALPL (alkaline phosphatase, biomineralization associated; plus strand). Cytogenetic location: 1p36.12.
Variant type: single nucleotide variant.
Coding change: c.1166C>G on transcript NM_000478.6 (MANE Select); coding-DNA position 1166, C replaced by G.
Protein change: p.Thr389Ser; replaces threonine 389 with serine.
Molecular consequence: missense variant.
Genome position (GRCh38, 1-based): chr1:21,575,901, C>G. VCF-style: chr1-21575901-C-G. GRCh37 (hg19) VCF-style: chr1-21902394-C-G.
Other names: c.1001C>G, p.Thr334Ser (NM_001127501.4); c.935C>G, p.Thr312Ser (NM_001177520.3); c.1166C>G, p.Thr389Ser (NM_001369803.2, NM_001369804.2, NM_001369805.2); short protein forms T312S, T334S, T389S.
Identifiers: ClinVar variation 1694497 (VCV001694497.31), dbSNP rs746390776, ClinGen allele CA338881471.